The following is an entry in ClinVar:

NM_002109.6(HARS1):c.1445C>T (p.Thr482Met)

Gene: HARS1 (histidyl-tRNA synthetase 1; minus strand). Cytogenetic location: 5q31.3.
Variant type: single nucleotide variant.
Coding change: c.1445C>T on transcript NM_002109.6 (MANE Select); coding-DNA position 1445, C replaced by T.
Protein change: p.Thr482Met; replaces threonine 482 with methionine.
Molecular consequence: missense variant.
Genome position (GRCh38, 1-based): chr5:140,674,692, G>A on the plus strand (C>T on the coding strand, the complement: HARS1 is on the minus strand). VCF-style: chr5-140674692-G-A. GRCh37 (hg19) VCF-style: chr5-140054277-G-A.
Other names: c.1325C>T, p.Thr442Met (NM_001258040.3); c.1385C>T, p.Thr462Met (NM_001258041.3); c.1265C>T, p.Thr422Met (NM_001258042.3); c.1223C>T, p.Thr408Met (NM_001289092.2); c.1103C>T, p.Thr368Met (NM_001289093.2); c.1358C>T, p.Thr453Met (NM_001289094.2); short protein forms T482M, T422M, T453M, T368M, T408M, T442M, T462M.
Identifiers: ClinVar variation 472990 (VCV000472990.24), dbSNP rs147372931, ClinGen allele CA3443819.
Genomic context (GRCh38, chr5:140,674,692, plus strand): 5'-ATGGCATACATTCTCTGTCCCTTAGCCTTCCTGCCCACCTCCCTCACCTCTTCCCTGCTC[G>A]TCACTGAACGGAGCTTGATGACCCCATCCTTGAGTTCCTGCTCGCCGATGATAGCCACCA-3'
Protein context (NP_002100.2, residues 472-492): KDGVIKLRSV[Thr482Met]SREEVDVRRE

ClinVar aggregate classification (germline): Benign/Likely benign. Review status: criteria provided, multiple submitters, no conflicts (2 of 4 stars). 5 submissions from 5 submitters: Benign (3); Likely benign (1). 1 of the submissions does not count toward it. Last evaluated 2026-01-20.

Conditions:
Usher syndrome type 3B. Also called: USHER SYNDROME, TYPE IIIB. Identifiers: MedGen C3281066, MONDO:0013788, OMIM 614504.
HARS1-related disorder. Also called: HARS1-related condition.

Allele frequency attached by ClinVar (database versions not stated): TOPMed 0.00045; 1000 Genomes Project 0.00280; 1000 Genomes Project 30x 0.00328.
gnomAD v4.1: 411 of 1,614,166 alleles (0.025%); highest among the groups gnomAD compares: East Asian, 0.41%; 3 homozygotes.

Submissions (5):

Labcorp Genetics (formerly Invitae), Labcorp
Classification: Benign for Usher syndrome type 3B. Last evaluated: 2026-01-20. Review status: criteria provided, single submitter. Criteria: Invitae Variant Classification Sherloc (09022015). Collection method: clinical testing. Allele origin: germline.

CeGaT Center for Human Genetics Tuebingen
Classification: Benign. Last evaluated: 2025-10-01. Review status: criteria provided, single submitter. Criteria: CeGaT Center For Human Genetics Tuebingen Variant Classification Criteria Version 2. Collection method: clinical testing. Allele origin: germline. Affected: yes. Observed: 1 variant allele.
Comment: HARS1: BP4, BS1, BS2

Blueprint Genetics
Classification: Likely benign. Last evaluated: 2024-10-24. Review status: criteria provided, single submitter. Criteria: ACMG Guidelines, 2015. Collection method: clinical testing. Allele origin: germline.

GeneDx
Classification: Benign. Last evaluated: 2021-04-02. Review status: criteria provided, single submitter. Criteria: GeneDx Variant Classification Process June 2021. Collection method: clinical testing. Allele origin: germline. Affected: yes.

PreventionGenetics, part of Exact Sciences
Classification: Likely benign for HARS1-related condition. Last evaluated: 2019-11-19. Review status: no assertion criteria provided. Collection method: clinical testing. Allele origin: germline. Not counted in ClinVar's aggregate classification.
Comment: This variant is classified as likely benign based on ACMG/AMP sequence variant interpretation guidelines (Richards et al. 2015 PMID: 25741868, with internal and published modifications).